The following is an entry in ClinVar:

NM_012431.3(SEMA3E):c.264C>T (p.Asp88=)

Gene: SEMA3E (semaphorin 3E; minus strand). Cytogenetic location: 7q21.11.
Variant type: single nucleotide variant.
Coding change: c.264C>T on transcript NM_012431.3 (MANE Select); coding-DNA position 264, C replaced by T.
Protein change: p.Asp88=; no amino-acid change (aspartic acid 88 retained).
Molecular consequence: synonymous variant.
Genome position (GRCh38, 1-based): chr7:83,490,126, G>A on the plus strand (C>T on the coding strand, the complement: SEMA3E is on the minus strand). VCF-style: chr7-83490126-G-A. GRCh37 (hg19) VCF-style: chr7-83119442-G-A.
Other names: c.84C>T, p.Asp28= (NM_001178129.2).
Identifiers: ClinVar variation 698995 (VCV000698995.14), dbSNP rs142305186, ClinGen allele CA4322413.

ClinVar aggregate classification (germline): Likely benign. Review status: criteria provided, multiple submitters, no conflicts (2 of 4 stars). 3 submissions from 3 submitters: Likely benign (2). 1 of the submissions does not count toward it. Last evaluated 2025-12-15.

Conditions:
SEMA3E-related disorder. Also called: SEMA3E-related condition.
CHARGE syndrome (CHARGE). Also called: Hittner Hirsch Kreh syndrome; CHARGE ASSOCIATION--COLOBOMA, HEART ANOMALY, CHOANAL ATRESIA, RETARDATION, GENITAL AND EAR ANOMALIES; Coloboma, heart anomaly, choanal atresia, retardation, genital and ear anomalies; CHARGE association; Hall-Hittner syndrome. Identifiers: Orphanet 138, MedGen C0265354, MONDO:0008965.

Allele frequency attached by ClinVar (database versions not stated): TOPMed 0.00005; gnomAD 0.00006; ExAC 0.00008; gnomAD exomes 0.00010; ESP Exome Variant Server 0.00015; 1000 Genomes Project 30x 0.00016; 1000 Genomes Project 0.00020.
gnomAD v4.1: 480 of 1,612,308 alleles (0.03%); highest among the groups gnomAD compares: Non-Finnish European, 0.039%; no homozygotes.

Submissions (3):

Labcorp Genetics (formerly Invitae), Labcorp
Classification: Likely benign for CHARGE syndrome. Last evaluated: 2025-12-15. Review status: criteria provided, single submitter. Criteria: Invitae Variant Classification Sherloc (09022015). Collection method: clinical testing. Allele origin: germline.

Blueprint Genetics
Classification: Likely benign. Last evaluated: 2022-05-13. Review status: criteria provided, single submitter. Criteria: ACMG Guidelines, 2015. Collection method: clinical testing. Allele origin: germline.

PreventionGenetics, part of Exact Sciences
Classification: Likely benign for SEMA3E-related condition. Last evaluated: 2022-05-22. Review status: no assertion criteria provided. Collection method: clinical testing. Allele origin: germline. Not counted in ClinVar's aggregate classification.
Comment: This variant is classified as likely benign based on ACMG/AMP sequence variant interpretation guidelines (Richards et al. 2015 PMID: 25741868, with internal and published modifications).